The following is an entry in ClinVar:

NM_006196.4(PCBP1):c.994T>C (p.Ser332Pro)

Genes: PCBP1 (poly(rC) binding protein 1; plus strand), LOC106783504 (conserved acetylation island sequence C15 enhancer; plus strand). Cytogenetic location: 2p13.3.
Variant type: single nucleotide variant.
Coding change: c.994T>C on transcript NM_006196.4 (MANE Select); coding-DNA position 994, T replaced by C.
Protein change: p.Ser332Pro; replaces serine 332 with proline.
Molecular consequence: missense variant.
Genome position (GRCh38, 1-based): chr2:70,088,737, T>C. VCF-style: chr2-70088737-T-C. GRCh37 (hg19) VCF-style: chr2-70315869-T-C.
Other names: short protein forms S332P.
Identifiers: ClinVar variation 5017533 (VCV005017533.1).
Genomic context (GRCh38, chr2:70,088,737, plus strand): 5'-CAGATCAAAATTGCCAACCCAGTGGAAGGCTCCTCTGGTAGGCAGGTTACTATCACTGGC[T>C]CTGCTGCCAGTATTAGTCTGGCCCAGTATCTAATCAATGCCAGGCTTTCCTCTGAGAAGG-3'
Protein context (NP_006187.2, residues 322-342): SSGRQVTITG[Ser332Pro]AASISLAQYL

ClinVar aggregate classification (germline): Uncertain significance (1 of 4 stars; one submission).

Submission:

GeneDx
Classification: Uncertain significance. Last evaluated: 2026-03-25. Review status: criteria provided, single submitter. Criteria: GeneDx Variant Classification Process June 2021. Collection method: clinical testing. Allele origin: germline.
Comment: Not observed at significant frequency in large population cohorts (gnomAD); In silico analysis supports that this missense variant has a deleterious effect on protein structure/function; Has not been previously published as pathogenic or benign to our knowledge; Variants in candidate genes are classified as variants of uncertain significance in accordance with ACMG guidelines (PMID: 25741868)